The following is an entry in ClinVar:

ClinVar aggregate classification (germline): Uncertain significance (1 of 4 stars; one submission).

Conditions:
Dent disease type 1 (DENT1). Also called: NEPHROLITHIASIS 2; NEPHROLITHIASIS, HYPERCALCIURIC, X-LINKED. Identifiers: Orphanet 1652, Orphanet 93622, MedGen C1848336, MONDO:0010225, OMIM 300009.

Submission:

3billion
Classification: Uncertain significance for Dent disease type 1. Last evaluated: 2023-02-23. Review status: criteria provided, single submitter. Criteria: ACMG Guidelines, 2015. Collection method: clinical testing. Allele origin: unknown. Affected: yes.
Comment: The variant is not observed in the gnomAD v2.1.1 dataset. In silico tool predictions suggest damaging effect of the variant on gene or gene product (REVEL: 0.94; 3Cnet: 0.92). Same nucleotide change resulting in same amino acid change has been previously reported to be associated with CLCN5 related disorder (PMID: 19673950). A different missense change at the same codon (p.Gly582Arg) has been reported to be associated with CLCN5 related disorder (PMID: 9259268). However the evidence of pathogenicity is insufficient at this time. Therefore, this variant is classified as VUS according to the recommendation of ACMG/AMP guideline.

Literature cited by the submitters: PubMed 19673950; PubMed 9259268.

NM_001127898.4(CLCN5):c.1745G>A (p.Gly582Asp)

Genes: CLCN5 (Cl-/H+ antiporter 5; plus strand), LOC126863258 (BRD4-independent group 4 enhancer GRCh37_chrX:49854497-49855696; plus strand). Cytogenetic location: Xp11.23.
Variant type: single nucleotide variant.
Coding change: c.1745G>A on transcript NM_001127898.4 (MANE Select); coding-DNA position 1745, G replaced by A.
Protein change: p.Gly582Asp; replaces glycine 582 with aspartic acid.
Molecular consequence: missense variant.
Genome position (GRCh38, 1-based): chrX:50,090,116, G>A. VCF-style: chrX-50090116-G-A. GRCh37 (hg19) VCF-style: chrX-49854773-G-A.
Other names: c.1535G>A, p.Gly512Asp (NM_000084.5); c.1745G>A, p.Gly582Asp (NM_001127899.4); c.1595G>A, p.Gly532Asp (NM_001282163.2); short protein forms G512D, G532D, G582D.
Identifiers: ClinVar variation 2444214 (VCV002444214.1), dbSNP rs1602133606, ClinGen allele CA413188661.
Genomic context (GRCh38, chrX:50,090,116, plus strand): 5'-CATAATTGTAAGAATCCTGTATTTTGCCTACCTGAGTAGACTGTGTCTATTTCTTTGCAG[G>A]TGGGGTGACTCGGATGACTGTTTCTCTTGTTGTCATAATGTTTGAACTGACTGGTGGCTT-3'
Protein context (NP_001121370.1, residues 572-592): YAMVGAAACL[Gly582Asp]GVTRMTVSLV